The following is an entry in ClinVar:

ClinVar aggregate classification (germline): Pathogenic (1 of 4 stars; one submission).

Conditions:
Pierson syndrome. Also called: MICROCORIA-CONGENITAL NEPHROTIC SYNDROME. Identifiers: Orphanet 2670, MedGen C1836876, MONDO:0012184, OMIM 609049.
LAMB2-related infantile-onset nephrotic syndrome. Also called: Nephrotic Syndrome, type 5; NEPHROTIC SYNDROME, TYPE 5, WITHOUT OCULAR ABNORMALITIES; NEPHROTIC SYNDROME, TYPE 5, WITH OCULAR ABNORMALITIES. Identifiers: Orphanet 306507, MedGen C3280113, MONDO:0013621, OMIM 614199.

Submission:

Labcorp Genetics (formerly Invitae), Labcorp
Classification: Pathogenic for LAMB2-related infantile-onset nephrotic syndrome; Pierson syndrome. Last evaluated: 2023-08-17. Review status: criteria provided, single submitter. Criteria: Invitae Variant Classification Sherloc (09022015). Collection method: clinical testing. Allele origin: germline.
Comment: For these reasons, this variant has been classified as Pathogenic. ClinVar contains an entry for this variant (Variation ID: 1456187). This variant is also known as c.1242-1243insCC, M415fsX496. This premature translational stop signal has been observed in individual(s) with clinical features of LAMB2-related conditions (PMID: 16898484, 17256789). In at least one individual the data is consistent with being in trans (on the opposite chromosome) from a pathogenic variant. This variant is present in population databases (no rsID available, gnomAD 0.003%). This sequence change creates a premature translational stop signal (p.Met415Profs*83) in the LAMB2 gene. It is expected to result in an absent or disrupted protein product. Loss-of-function variants in LAMB2 are known to be pathogenic (PMID: 15367484).

Literature cited by the submitters: PubMed 16898484; PubMed 17256789; PubMed 15367484.

NM_002292.4(LAMB2):c.1241_1242dup (p.Met415fs)

Gene: LAMB2 (laminin subunit beta 2; minus strand). Cytogenetic location: 3p21.31.
Variant type: Duplication.
Coding change: c.1241_1242dup on transcript NM_002292.4 (MANE Select); coding-DNA positions 1241 to 1242, 2 bases duplicated (CC; older notation c.1241_1242dupCC).
Protein change: p.Met415fs; shifts the reading frame from methionine 415.
Molecular consequence: frameshift variant.
Genome position (GRCh38, 1-based): chr3:49,130,002-49,130,003, GG duplicated on the plus strand (CC on the coding strand, the reverse complement: LAMB2 is on the minus strand); duplicating any 2 consecutive bases within chr3:49,130,002-49,130,005 gives the same sequence; the c. name uses the placement nearest the transcript's 3' end. VCF-style (leftmost placement, unchanged base first): chr3-49130001-T-TGG. GRCh37 (hg19) VCF-style: chr3-49167434-T-TGG.
Other names: short protein forms M415fs.
Identifiers: ClinVar variation 1456187 (VCV001456187.6), dbSNP rs1367444910, ClinGen allele CA543048671.
Genomic context (GRCh38, chr3:49,130,001, plus strand): 5'-AGACCAGTCCCAGTGCAGGGTCATCATGGGAATCACAGCGACCACCGTCTTGAGAACCCA[T>TGG]GGGGTCACAATCACAGGCTGACGGCAAAAAGAGATACAGGGTCACTCACCCTATCTCAAC-3'